The following is an entry in ClinVar:

NM_001079802.2(FKTN):c.402_403delinsTGCCTAAATC (p.Phe135delinsAlaTer)

Gene: FKTN (fukutin; plus strand). Cytogenetic location: 9q31.2.
Variant type: Indel.
Coding change: c.402_403delinsTGCCTAAATC on transcript NM_001079802.2 (MANE Select); coding-DNA positions 402 to 403, AT replaced by TGCCTAAATC.
Protein change: p.Phe135delinsAlaTer.
Molecular consequence: nonsense. On other transcripts: non-coding transcript variant (2).
Genome position (GRCh38, 1-based): chr9:105,604,247-105,604,248, AT replaced by TGCCTAAATC. VCF-style: chr9-105604247-AT-TGCCTAAATC. GRCh37 (hg19) VCF-style: chr9-108366528-AT-TGCCTAAATC.
Other names: c.402_403delinsTGCCTAAATC, p.Phe135delinsAlaTer (NM_001198963.2, NM_001351496.2, NM_001351498.2 and 1 more transcripts); c.333_334delinsTGCCTAAATC, p.Phe112delinsAlaTer (NM_001351497.2); c.6_7delinsTGCCTAAATC, p.Phe3delinsAlaTer (NM_001351499.2, NM_001351500.2, NM_001351501.2 and 1 more transcripts).
Identifiers: ClinVar variation 4814585 (VCV004814585.1).

ClinVar aggregate classification (germline): Likely pathogenic (1 of 4 stars; one submission).

Conditions:
Walker-Warburg congenital muscular dystrophy. Also called: Muscular dystrophy-dystroglycanopathy, type A; Walker-Warburg syndrome. Identifiers: Orphanet 899, MedGen C0265221, MONDO:0000171.

Submission:

Natera, Inc.
Classification: Likely pathogenic for Walker-Warburg congenital muscular dystrophy. Last evaluated: 2025-07-17. Review status: criteria provided, single submitter. Criteria: Natera Variant Classification Schema (03/2026). Collection method: clinical testing. Allele origin: germline.
Comment: The c.402_403delATinsTGCCTAAATC variant in FKTN is a frameshift variant predicted to shift the reading frame beginning at codon 135 and leads to a stop codon 2 codons downstream. This variant is expected to result in nonsense mediated decay, truncation, or a dysfunctional protein product. This variant is rare in the general population with a frequency below the threshold expected for the associated phenotype(s). Given the available evidence, this variant is classified as Likely Pathogenic.